The following is an entry in ClinVar:

ClinVar aggregate classification (germline): Benign/Likely benign. Review status: criteria provided, multiple submitters, no conflicts (2 of 4 stars). 3 submissions from 3 submitters: Benign (2); Likely benign (1). Last evaluated 2025-12-08.

Conditions:
Holoprosencephaly 11 (HPE11). Identifiers: Orphanet 2162, MedGen C3280215, MONDO:0013642, OMIM 614226.

Allele frequency attached by ClinVar (database versions not stated): gnomAD exomes 0.00019 and 0.00051; ExAC 0.00065; gnomAD 0.00206 and 0.00220; ESP Exome Variant Server 0.00215; TOPMed 0.00218; 1000 Genomes Project 0.00240; 1000 Genomes Project 30x 0.00250.
gnomAD v4.1: 598 of 1,613,918 alleles (0.037%); highest among the groups gnomAD compares: African/African-American, 0.7%; 2 homozygotes.

Submissions (3):

Labcorp Genetics (formerly Invitae), Labcorp
Classification: Benign for Holoprosencephaly 11. Last evaluated: 2025-12-08. Review status: criteria provided, single submitter. Criteria: Invitae Variant Classification Sherloc (09022015). Collection method: clinical testing. Allele origin: germline.

Blueprint Genetics
Classification: Likely benign. Last evaluated: 2024-03-07. Review status: criteria provided, single submitter. Criteria: ACMG Guidelines, 2015. Collection method: clinical testing. Allele origin: germline.

Illumina Laboratory Services, Illumina
Classification: Benign for Holoprosencephaly 11. Last evaluated: 2018-01-13. Review status: criteria provided, single submitter. Criteria: ICSL Variant Classification Criteria 13 December 2019. Collection method: clinical testing. Allele origin: germline.
Comment: This variant was observed in the ICSL laboratory as part of a predisposition screen in an ostensibly healthy population. It had not been previously curated by ICSL or reported in the Human Gene Mutation Database (HGMD: prior to June 1st, 2018), and was therefore a candidate for classification through an automated scoring system. Utilizing variant allele frequency, disease prevalence and penetrance estimates, and inheritance mode, an automated score was calculated to assess if this variant is too frequent to cause the disease. Based on the score and internal cut-off values, a variant classified as benign is not then subjected to further curation. The score for this variant resulted in a classification of benign for this disease.

NM_001378964.1(CDON):c.1500C>T (p.Cys500=)

Gene: CDON (cell adhesion associated, oncogene regulated; minus strand). Cytogenetic location: 11q24.2.
Variant type: single nucleotide variant.
Coding change: c.1500C>T on transcript NM_001378964.1 (MANE Select); coding-DNA position 1500, C replaced by T.
Protein change: p.Cys500=; no amino-acid change (cysteine 500 retained).
Molecular consequence: synonymous variant.
Genome position (GRCh38, 1-based): chr11:126,010,393, G>A on the plus strand (C>T on the coding strand, the complement: CDON is on the minus strand). VCF-style: chr11-126010393-G-A. GRCh37 (hg19) VCF-style: chr11-125880288-G-A.
Other names: c.1500C>T, p.Cys500= (NM_001243597.3, NM_016952.6).
Identifiers: ClinVar variation 303518 (VCV000303518.13), dbSNP rs142388716, ClinGen allele CA6352022.